The following is an entry in ClinVar:

NM_001034853.2(RPGR):c.1973C>A (p.Thr658Asn)

Gene: RPGR (retinitis pigmentosa GTPase regulator; minus strand). Cytogenetic location: Xp11.4.
Variant type: single nucleotide variant.
Coding change: c.1973C>A on transcript NM_001034853.2 (MANE Select); coding-DNA position 1973, C replaced by A.
Protein change: p.Thr658Asn; replaces threonine 658 with asparagine.
Molecular consequence: missense variant. On other transcripts: intron variant (8).
Genome position (GRCh38, 1-based): chrX:38,287,026, G>T on the plus strand (C>A on the coding strand, the complement: RPGR is on the minus strand). VCF-style: chrX-38287026-G-T. GRCh37 (hg19) VCF-style: chrX-38146279-G-T.
Other names: c.1719+68C>A (NM_001367246.1); c.1572+3933C>A (NM_001367247.1); c.1905+68C>A (NM_000328.3); c.1602+3933C>A (NM_001367248.1); c.1569+3933C>A (NM_001367249.1, NM_001367250.1); c.1902+68C>A (NM_001367245.1); c.1386+3933C>A (NM_001367251.1); short protein forms T658N.
Identifiers: ClinVar variation 3604496 (VCV003604496.2).

ClinVar aggregate classification (germline): Uncertain significance (1 of 4 stars; one submission).

Conditions:
Primary ciliary dyskinesia. Also called: Ciliary dyskinesia. Identifiers: Orphanet 244, MedGen C0008780, MONDO:0016575, HP:0012265.

Submission:

Labcorp Genetics (formerly Invitae), Labcorp
Classification: Uncertain significance for Primary ciliary dyskinesia. Last evaluated: 2025-07-02. Review status: criteria provided, single submitter. Criteria: Invitae Variant Classification Sherloc (09022015). Collection method: clinical testing. Allele origin: germline.
Comment: This sequence change replaces threonine, which is neutral and polar, with asparagine, which is neutral and polar, at codon 658 of the RPGR (ORF15) protein (p.Thr658Asn). The frequency data for this variant in the population databases is considered unreliable, as metrics indicate poor data quality at this position in the gnomAD database. This variant has not been reported in the literature in individuals affected with RPGR (ORF15)-related conditions. ClinVar contains an entry for this variant (Variation ID: 3604496). Invitae Evidence Modeling of protein sequence and biophysical properties (such as structural, functional, and spatial information, amino acid conservation, physicochemical variation, residue mobility, and thermodynamic stability) indicates that this missense variant is not expected to disrupt RPGR (ORF15) protein function with a negative predictive value of 95%. In summary, the available evidence is currently insufficient to determine the role of this variant in disease. Therefore, it has been classified as a Variant of Uncertain Significance.